The following is an entry in ClinVar:

NM_153700.2(STRC):c.4917A>C (p.Leu1639=)

Gene: STRC (stereocilin; minus strand). Cytogenetic location: 15q15.3.
Variant type: single nucleotide variant.
Coding change: c.4917A>C on transcript NM_153700.2 (MANE Select); coding-DNA position 4917, A replaced by C.
Protein change: p.Leu1639=; no amino-acid change (leucine 1639 retained).
Molecular consequence: synonymous variant.
Genome position (GRCh38, 1-based): chr15:43,600,610, T>G on the plus strand (A>C on the coding strand, the complement: STRC is on the minus strand). VCF-style: chr15-43600610-T-G. GRCh37 (hg19) VCF-style: chr15-43892808-T-G.
Identifiers: ClinVar variation 805531 (VCV000805531.41), dbSNP rs2860666, ClinGen allele CA7527840.

ClinVar aggregate classification (germline): Benign/Likely benign. Review status: criteria provided, multiple submitters, no conflicts (2 of 4 stars). 5 submissions from 5 submitters: Benign (1); Likely benign (4). Last evaluated 2026-01-01.

Conditions:
Autosomal recessive nonsyndromic hearing loss 16. Also called: DFNB16 Nonsyndromic Hearing Loss and Deafness; DEAFNESS, AUTOSOMAL RECESSIVE 16. Identifiers: Orphanet 90636, MedGen C1863561, MONDO:0011364, OMIM 603720.
Spermatogenic failure 7. Also called: MALE INFERTILITY, NONSYNDROMIC, AUTOSOMAL RECESSIVE. Identifiers: Orphanet 276234, MedGen C2751811, MONDO:0013070, OMIM 612997.
Deafness-infertility syndrome. Also called: Deafness and male infertility. Identifiers: Orphanet 94064, MedGen C1970187, MONDO:0012621, OMIM 611102.

Allele frequency attached by ClinVar (database versions not stated): 1000 Genomes Project 0.00080; ExAC 0.00108; gnomAD 0.00112 and 0.00173; gnomAD exomes 0.00118.

Submissions (5):

CeGaT Center for Human Genetics Tuebingen
Classification: Likely benign. Last evaluated: 2026-01-01. Review status: criteria provided, single submitter. Criteria: CeGaT Center For Human Genetics Tuebingen Variant Classification Criteria Version 2. Collection method: clinical testing. Allele origin: germline. Affected: yes. Observed: 5 variant alleles.
Comment: STRC: BP4, BP7

Fulgent Genetics
Classification: Likely benign for Autosomal recessive nonsyndromic hearing loss 16; Deafness-infertility syndrome; Spermatogenic failure 7. Last evaluated: 2022-03-28. Review status: criteria provided, single submitter. Criteria: ACMG Guidelines, 2015. Collection method: clinical testing. Allele origin: unknown.

Athena Diagnostics
Classification: Benign. Last evaluated: 2019-06-26. Review status: criteria provided, single submitter. Criteria: Athena Diagnostics Criteria. Collection method: clinical testing. Allele origin: germline.

Breakthrough Genomics
Classification: Likely benign. Review status: criteria provided, single submitter. Criteria: ACMG Guidelines, 2015. Collection method: not provided. Allele origin: germline. Inheritance: Autosomal recessive inheritance. Affected: yes.

Genome-Nilou Lab
Classification: Likely benign for Autosomal recessive nonsyndromic hearing loss 16. Review status: criteria provided, single submitter. Criteria: ACMG Guidelines, 2015. Collection method: clinical testing. Allele origin: germline.

Literature cited by the submitters: PubMed 25157971 (cited by Athena Diagnostics).